The following is an entry in ClinVar:

NM_001845.6(COL4A1):c.1135G>T (p.Gly379Trp)

Gene: COL4A1 (collagen type IV alpha 1 chain; minus strand). Cytogenetic location: 13q34.
Variant type: single nucleotide variant.
Coding change: c.1135G>T on transcript NM_001845.6 (MANE Select); coding-DNA position 1135, G replaced by T.
Protein change: p.Gly379Trp; replaces glycine 379 with tryptophan.
Molecular consequence: missense variant.
Genome position (GRCh38, 1-based): chr13:110,198,617, C>A on the plus strand (G>T on the coding strand, the complement: COL4A1 is on the minus strand). VCF-style: chr13-110198617-C-A. GRCh37 (hg19) VCF-style: chr13-110850964-C-A.
Other names: c.1135G>T (NM_001845.5); c.1135G>T, p.Gly379Trp (NM_001303110.2); short protein forms G379W.
Identifiers: ClinVar variation 4688152 (VCV004688152.2).
Genomic context (GRCh38, chr13:110,198,617, plus strand): 5'-GAAATCCTCGGTCACCTTTTTCTCCTCTTTCACCAGGGAAGCCAGGGGCACCAGCCTGCC[C>A]AGGTACAGGGAGGCCTGCAACCAGACAGAAGCTCACATCAGTAACCTCAGGGCCACTTAG-3'
Protein context (NP_001836.3, residues 369-389): QPGPPGLPVP[Gly379Trp]QAGAPGFPGE

ClinVar aggregate classification (germline): Conflicting classifications of pathogenicity. Review status: criteria provided, conflicting classifications (1 of 4 stars). 2 submissions from 2 submitters: Likely pathogenic (1); Uncertain significance (1). Last evaluated 2026-08-02.

Conditions:
COL4A1-related disorder. Also called: COL4A1-related condition; COL4A1-related disorders. Identifiers: MedGen CN376119, MONDO:0800461.
Autosomal dominant familial hematuria-retinal arteriolar tortuosity-contractures syndrome. Also called: Angiopathy, hereditary, with nephropathy, aneurysms, and muscle cramps; Hereditary Angiopathy with Nephropathy, Aneurysms, and Muscle Cramps (HANAC) Syndrome. Identifiers: Orphanet 73229, MedGen C2673195, MONDO:0012726, OMIM 611773.

gnomAD v4.1: 2 of 1,614,094 alleles (0.00012%); highest among the groups gnomAD compares: South Asian, 0.0011%; no homozygotes.

Submissions (2):

PreventionGenetics, part of Exact Sciences
Classification: Uncertain significance for COL4A1-related condition. Last evaluated: 2026-08-02. Review status: criteria provided, single submitter. Criteria: ACMG Guidelines, 2015. Collection method: clinical testing. Allele origin: germline.
Comment: The COL4A1 c.1135G>T variant is predicted to result in the amino acid substitution p.Gly379Trp. To our knowledge, this variant has not been reported in the literature. This variant is present in 0.0033% of alleles in individuals of South Asian descent in gnomAD. At this time, the clinical significance of this variant is uncertain due to the absence of conclusive functional and genetic evidence.

MVZ Medizinische Genetik Mainz
Classification: Likely pathogenic for Autosomal dominant familial hematuria-retinal arteriolar tortuosity-contractures syndrome. Last evaluated: 2026-01-06. Review status: criteria provided, single submitter. Criteria: UK Practice Guidelines For Variant Classification V4 01 2020. Collection method: clinical testing. Allele origin: germline. Inheritance: Autosomal dominant inheritance. Affected: yes. Observed: 1 variant allele.
Comment: ACMG Criteria: PM1_STR,PM2_SUP,PP3